The following is an entry in ClinVar:

ClinVar aggregate classification (germline): Uncertain significance. Review status: criteria provided, multiple submitters, no conflicts (2 of 4 stars). 2 submissions from 2 submitters: Uncertain significance (2). Last evaluated 2024-05-03.

Conditions:
SERKAL syndrome (SERKAL). Also called: 46,XX SEX REVERSAL WITH DYSGENESIS OF KIDNEYS, ADRENALS, AND LUNGS. Identifiers: Orphanet 139466, MedGen C2678492, MONDO:0012734, OMIM 611812.
Mullerian aplasia and hyperandrogenism. Also called: MULLERIAN DUCT FAILURE AND HYPERANDROGENISM. Identifiers: Orphanet 247768, MedGen C2675014, MONDO:0008019, OMIM 158330.

Allele frequency attached by ClinVar (database versions not stated): TOPMed below 0.00001; gnomAD 0.00001; gnomAD exomes 0.00003; ExAC 0.00006.
gnomAD v4.1: 46 of 1,613,620 alleles (0.0029%); highest among the groups gnomAD compares: South Asian, 0.021%; no homozygotes.

Submissions (2):

Fulgent Genetics
Classification: Uncertain significance for Mullerian aplasia and hyperandrogenism; SERKAL syndrome. Last evaluated: 2024-05-03. Review status: criteria provided, single submitter. Criteria: ACMG Guidelines, 2015. Collection method: clinical testing. Allele origin: germline.

Labcorp Genetics (formerly Invitae), Labcorp
Classification: Uncertain significance. Last evaluated: 2023-11-13. Review status: criteria provided, single submitter. Criteria: Invitae Variant Classification Sherloc (09022015). Collection method: clinical testing. Allele origin: germline.
Comment: This sequence change replaces aspartic acid, which is acidic and polar, with asparagine, which is neutral and polar, at codon 93 of the WNT4 protein (p.Asp93Asn). This variant is present in population databases (rs761324441, gnomAD 0.02%). This variant has not been reported in the literature in individuals affected with WNT4-related conditions. ClinVar contains an entry for this variant (Variation ID: 2144157). Advanced modeling of protein sequence and biophysical properties (such as structural, functional, and spatial information, amino acid conservation, physicochemical variation, residue mobility, and thermodynamic stability) performed at Invitae indicates that this missense variant is not expected to disrupt WNT4 protein function with a negative predictive value of 80%. In summary, the available evidence is currently insufficient to determine the role of this variant in disease. Therefore, it has been classified as a Variant of Uncertain Significance.

NM_030761.5(WNT4):c.277G>A (p.Asp93Asn)

Gene: WNT4 (Wnt family member 4; minus strand). Cytogenetic location: 1p36.12.
Variant type: single nucleotide variant.
Coding change: c.277G>A on transcript NM_030761.5 (MANE Select); coding-DNA position 277, G replaced by A.
Protein change: p.Asp93Asn; replaces aspartic acid 93 with asparagine.
Molecular consequence: missense variant.
Genome position (GRCh38, 1-based): chr1:22,129,652, C>T on the plus strand (G>A on the coding strand, the complement: WNT4 is on the minus strand). VCF-style: chr1-22129652-C-T. GRCh37 (hg19) VCF-style: chr1-22456145-C-T.
Other names: short protein forms D93N.
Identifiers: ClinVar variation 2144157 (VCV002144157.5), dbSNP rs761324441, ClinGen allele CA675478.
Genomic context (GRCh38, chr1:22,129,652, plus strand): 5'-CAGCCCCGCACGCCCTTCCCTCACCTTGCGTCACCACCTTGCCGAAGACGGGCAAGGAGT[C>T]GAGTGTGGAGCAGTTCCAGCGCCGGTTCCGGAACTGGTACTGGCACTCCTCAATGGCCAG-3'
Protein context (NP_110388.2, residues 83-103): RNRRWNCSTL[Asp93Asn]SLPVFGKVVT